The following is an entry in ClinVar:

NM_000038.6(APC):c.7817T>C (p.Val2606Ala)

Gene: APC (APC regulator of Wnt signaling pathway; plus strand). Cytogenetic location: 5q22.2.
Variant type: single nucleotide variant.
Coding change: c.7817T>C on transcript NM_000038.6 (MANE Select); coding-DNA position 7817, T replaced by C.
Protein change: p.Val2606Ala; replaces valine 2606 with alanine.
Molecular consequence: missense variant.
Genome position (GRCh38, 1-based): chr5:112,843,411, T>C. VCF-style: chr5-112843411-T-C. GRCh37 (hg19) VCF-style: chr5-112179108-T-C.
Other names: c.7817T>C, p.Val2606Ala (NM_001127510.3, NM_001354895.2); c.7763T>C, p.Val2588Ala (NM_001127511.3); c.7871T>C, p.Val2624Ala (NM_001354896.2); c.7847T>C, p.Val2616Ala (NM_001354897.2); c.7742T>C, p.Val2581Ala (NM_001354898.2); c.7733T>C, p.Val2578Ala (NM_001354899.2); c.7694T>C, p.Val2565Ala (NM_001354900.2); c.7640T>C, p.Val2547Ala (NM_001354901.2); and 5 more; short protein forms V2588A, V2606A, V2323A, V2547A, V2616A, V2446A, V2578A, V2624A.
Identifiers: ClinVar variation 575700 (VCV000575700.14), dbSNP rs1561618472, ClinGen allele CA16038316.

ClinVar aggregate classification (germline): Uncertain significance. Review status: criteria provided, multiple submitters, no conflicts (2 of 4 stars). 2 submissions from 2 submitters: Uncertain significance (2). Last evaluated 2024-03-06.

Conditions:
Hereditary cancer-predisposing syndrome. Also called: Tumor predisposition; Hereditary neoplastic syndrome; Hereditary Cancer Syndrome; Neoplastic Syndromes, Hereditary. Identifiers: Orphanet 140162, MedGen C0027672, MeSH D009386, MONDO:0015356.
Familial adenomatous polyposis 1 (FAP1). Also called: POLYPOSIS, ADENOMATOUS INTESTINAL; FAMILIAL ADENOMATOUS POLYPOSIS 1, ATTENUATED. Identifiers: MedGen C2713442, MONDO:0021056, OMIM 175100. Disease mechanism: loss of function.

Submissions (2):

Color Diagnostics, LLC DBA Color Health
Classification: Uncertain significance for Hereditary cancer-predisposing syndrome. Last evaluated: 2024-03-06. Review status: criteria provided, single submitter. Criteria: ACMG Guidelines, 2015. Collection method: clinical testing. Allele origin: germline.
Comment: This missense variant replaces valine with alanine at codon 2606 of the APC protein. Computational prediction suggests that this variant may not impact protein structure and function (internally defined REVEL score threshold <= 0.5, PMID: 27666373). To our knowledge, functional studies have not been reported for this variant. This variant has not been reported in individuals affected with APC-related disorders in the literature. This variant has not been identified in the general population by the Genome Aggregation Database (gnomAD). The available evidence is insufficient to determine the role of this variant in disease conclusively. Therefore, this variant is classified as a Variant of Uncertain Significance.

Labcorp Genetics (formerly Invitae), Labcorp
Classification: Uncertain significance for Familial adenomatous polyposis 1. Last evaluated: 2019-11-23. Review status: criteria provided, single submitter. Criteria: Invitae Variant Classification Sherloc (09022015). Collection method: clinical testing. Allele origin: germline.
Comment: This variant is not present in population databases (ExAC no frequency). In summary, the available evidence is currently insufficient to determine the role of this variant in disease. Therefore, it has been classified as a Variant of Uncertain Significance. Algorithms developed to predict the effect of missense changes on protein structure and function output the following: SIFT: "Tolerated"; PolyPhen-2: "Benign"; Align-GVGD: "Class C0". The alanine amino acid residue is found in multiple mammalian species, suggesting that this missense change does not adversely affect protein function. These predictions have not been confirmed by published functional studies and their clinical significance is uncertain. This variant has not been reported in the literature in individuals with APC-related disease. This sequence change replaces valine with alanine at codon 2606 of the APC protein (p.Val2606Ala). The valine residue is moderately conserved and there is a small physicochemical difference between valine and alanine.